The following is an entry in ClinVar:

NM_000465.4(BARD1):c.2261_2262del (p.Lys754fs)

Gene: BARD1 (BRCA1 associated RING domain 1; minus strand). Cytogenetic location: 2q35.
Variant type: Deletion.
Coding change: c.2261_2262del on transcript NM_000465.4 (MANE Select); coding-DNA positions 2261 to 2262, 2 bases deleted (AA; older notation c.2261_2262delAA).
Protein change: p.Lys754fs; shifts the reading frame from lysine 754.
Molecular consequence: frameshift variant. On other transcripts: non-coding transcript variant (3).
Genome position (GRCh38, 1-based): chr2:214,728,748-214,728,749, TT deleted on the plus strand (AA on the coding strand, the reverse complement: BARD1 is on the minus strand); deleting any 2 consecutive bases within chr2:214,728,748-214,728,750 gives the same sequence; the c. name uses the placement nearest the transcript's 3' end. VCF-style (leftmost placement, unchanged base first): chr2-214728747-CTT-C. GRCh37 (hg19) VCF-style: chr2-215593471-CTT-C.
Other names: c.2204_2205del, p.Lys735fs (NM_001282543.2); c.908_909del, p.Lys303fs (NM_001282545.2); c.851_852del, p.Lys284fs (NM_001282548.2); c.722_723del, p.Lys241fs (NM_001282549.2); short protein forms K735fs, K303fs, K754fs, K241fs, K284fs.
Identifiers: ClinVar variation 646575 (VCV000646575.17), dbSNP rs1574702099, ClinGen allele CA915941705.

ClinVar aggregate classification (germline): Likely pathogenic. Review status: criteria provided, multiple submitters, no conflicts (2 of 4 stars). 2 submissions from 2 submitters: Likely pathogenic (2). Last evaluated 2024-10-22.

Conditions:
Hereditary cancer-predisposing syndrome. Also called: Hereditary Cancer Syndrome; Tumor predisposition; Hereditary neoplastic syndrome; Neoplastic Syndromes, Hereditary. Identifiers: Orphanet 140162, MedGen C0027672, MeSH D009386, MONDO:0015356.
Familial cancer of breast. Also called: hereditary breast carcinoma; Hereditary breast cancer; BREAST CANCER, FAMILIAL. Identifiers: Orphanet 227535, MedGen C0346153, MONDO:0016419, OMIM 114480. Disease mechanism: loss of function.

Submissions (2):

Ambry Genetics
Classification: Likely pathogenic for Hereditary cancer-predisposing syndrome. Last evaluated: 2024-10-22. Review status: criteria provided, single submitter. Criteria: Ambry Variant Classification Scheme 2023. Collection method: clinical testing. Allele origin: germline.
Comment: The c.2261_2262delAA variant, located in coding exon 11 of the BARD1 gene, results from a deletion of two nucleotides at nucleotide positions 2261 to 2262, causing a translational frameshift with a predicted alternate stop codon (p.K754Sfs*17). Premature stop codons are typically deleterious in nature, however, this stop codon occurs at the 3' terminus of BARD1, is not expected to trigger nonsense-mediated mRNA decay, and removes only the last eight amino acids of the protein. However, premature stop codons are typically deleterious in nature and the impacted region is critical for protein function (Ambry internal data). This variant is considered to be rare based on population cohorts in the Genome Aggregation Database (gnomAD). Based on the majority of available evidence to date, this variant is likely to be pathogenic.

Labcorp Genetics (formerly Invitae), Labcorp
Classification: Likely pathogenic for Familial cancer of breast. Last evaluated: 2020-08-29. Review status: criteria provided, single submitter. Criteria: Invitae Variant Classification Sherloc (09022015). Collection method: clinical testing. Allele origin: germline.
Comment: This variant has not been reported in the literature in individuals with BARD1-related conditions. In summary, the currently available evidence indicates that the variant is pathogenic, but additional data are needed to prove that conclusively. Therefore, this variant has been classified as Likely Pathogenic. This variant disrupts part of the C-terminal BRCT domain of BARD1 protein, which is required for chromosome stability and homology-directed repair (PMID: 17848578). A different variant (p.Val767fs) that lies downstream of this variant has been reported to affect BARD1 protein function (PMID: 30925164), this suggests that disruption of this region of the protein is causative of disease. This variant is not present in population databases (ExAC no frequency). This sequence change results in a premature translational stop signal in the BARD1 gene (p.Lys754Serfs*17). While this is not anticipated to result in nonsense mediated decay, it is expected to disrupt the last 24 amino acids of the BARD1 protein.

Literature cited by the submitters: PubMed 14578343 (cited by Ambry Genetics); PubMed 15782130 (cited by Ambry Genetics); PubMed 17550235 (cited by Ambry Genetics); PubMed 18842000 (cited by Ambry Genetics); PubMed 17848578 (cited by Labcorp Genetics (formerly Invitae), Labcorp); PubMed 30925164 (cited by Labcorp Genetics (formerly Invitae), Labcorp).